The following is an entry in ClinVar:

ClinVar aggregate classification (germline): Conflicting classifications of pathogenicity. Review status: criteria provided, conflicting classifications (1 of 4 stars). 4 submissions from 4 submitters: Uncertain significance (2); Likely benign (1). 1 of the submissions does not count toward it. Last evaluated 2025-01-27.

Conditions:
Primary ciliary dyskinesia. Also called: Ciliary dyskinesia. Identifiers: Orphanet 244, MedGen C0008780, MONDO:0016575, HP:0012265.
Primary ciliary dyskinesia 3. Identifiers: Orphanet 244, MedGen C1837618, MONDO:0012085, OMIM 608644.

Allele frequency attached by ClinVar (database versions not stated): ExAC 0.00003; gnomAD exomes 0.00005; ESP Exome Variant Server 0.00008; TOPMed 0.00009; gnomAD 0.00011.
gnomAD v4.1: 97 of 1,613,902 alleles (0.006%); highest among the groups gnomAD compares: Admixed American, 0.02%; no homozygotes.

Submissions (4):

Labcorp Genetics (formerly Invitae), Labcorp
Classification: Likely benign for Primary ciliary dyskinesia. Last evaluated: 2025-01-27. Review status: criteria provided, single submitter. Criteria: Invitae Variant Classification Sherloc (09022015). Collection method: clinical testing. Allele origin: germline.

Ambry Genetics
Classification: Uncertain significance for Primary ciliary dyskinesia. Last evaluated: 2021-06-22. Review status: criteria provided, single submitter. Criteria: Ambry Variant Classification Scheme 2023. Collection method: clinical testing. Allele origin: germline.

New York Genome Center
Classification: Uncertain significance for Primary ciliary dyskinesia 3. Last evaluated: 2020-10-02. Review status: criteria provided, single submitter. Criteria: NYGC Assertion Criteria 2020. Collection method: clinical testing. Allele origin: inherited. Observed: 1 compound heterozygote. Study: CSER-NYCKidSeq.
Comment: The inherited c.10731C>G(p.Asn3577Lys) missense variant in exon 63 of 79 of DNAH5 has not been reported in affected individuals in the available literature. This variant is present in gnomADv3 at a very low frequency (16/143270alleles, allele frequency = 0.0001117; no homozygoytes) indicating it is not a common benign variant in the populations represented in this database. In silico predictors suggest this variant is Damaging (Provean; score: -4.53) and Tolerated (SIFT; score: 0.054). Given the conflicting evidences regarding its pathogenicity, the c.10731C>G(p.Asn3577Lys) variant identified in the DNAH5 gene is reported as a Variant of Uncertain Significance.

Natera, Inc.
Classification: Uncertain significance for Primary ciliary dyskinesia. Last evaluated: 2020-01-24. Review status: no assertion criteria provided. Collection method: clinical testing. Allele origin: germline. Not counted in ClinVar's aggregate classification.

NM_001369.3(DNAH5):c.10731C>G (p.Asn3577Lys)

Gene: DNAH5 (dynein axonemal heavy chain 5; minus strand). Cytogenetic location: 5p15.2.
Variant type: single nucleotide variant.
Coding change: c.10731C>G on transcript NM_001369.3 (MANE Select); coding-DNA position 10731, C replaced by G.
Protein change: p.Asn3577Lys; replaces asparagine 3577 with lysine.
Molecular consequence: missense variant.
Genome position (GRCh38, 1-based): chr5:13,753,374, G>C on the plus strand (C>G on the coding strand, the complement: DNAH5 is on the minus strand). VCF-style: chr5-13753374-G-C. GRCh37 (hg19) VCF-style: chr5-13753483-G-C.
Other names: short protein forms N3577K.
Identifiers: ClinVar variation 966291 (VCV000966291.13), dbSNP rs376292253, ClinGen allele CA3202146.